The following is an entry in ClinVar:

NM_001376.5(DYNC1H1):c.3803_3804+1dup

Gene: DYNC1H1 (dynein cytoplasmic 1 heavy chain 1; plus strand). Cytogenetic location: 14q32.31.
Variant type: Duplication.
Coding change: c.3803_3804+1dup on transcript NM_001376.5 (MANE Select); coding-DNA position 3803 through the canonical splice donor site of the intron after coding-DNA position 3804, 3 bases duplicated (CGG; older notation c.3803_3804+1dupCGG).
Molecular consequence: splice donor variant.
Genome position (GRCh38, 1-based): chr14:101,997,273-101,997,275, CGG duplicated. VCF-style (leftmost placement, unchanged base first): chr14-101997272-A-ACGG. GRCh37 (hg19) VCF-style: chr14-102463609-A-ACGG.
Identifiers: ClinVar variation 2104124 (VCV002104124.4), dbSNP rs2503720635, ClinGen allele CA2580088416.

ClinVar aggregate classification (germline): Uncertain significance (1 of 4 stars; one submission).

Conditions:
Charcot-Marie-Tooth disease axonal type 2O. Also called: Charcot-Marie-Tooth disease, axonal, type 20; CHARCOT-MARIE-TOOTH NEUROPATHY, AXONAL, TYPE 2O; CHARCOT-MARIE-TOOTH DISEASE, AXONAL, AUTOSOMAL DOMINANT, TYPE 2O; Charcot-Marie-Tooth Neuropathy Type 2O. Identifiers: Orphanet 284232, MedGen C3280220, MONDO:0013644, OMIM 614228.

Submission:

Labcorp Genetics (formerly Invitae), Labcorp
Classification: Uncertain significance for Charcot-Marie-Tooth disease axonal type 2O. Last evaluated: 2022-09-27. Review status: criteria provided, single submitter. Criteria: Invitae Variant Classification Sherloc (09022015). Collection method: clinical testing. Allele origin: germline.
Comment: In summary, the available evidence is currently insufficient to determine the role of this variant in disease. Therefore, it has been classified as a Variant of Uncertain Significance. Algorithms developed to predict the effect of sequence changes on RNA splicing suggest that this variant may create or strengthen a splice site. Experimental studies and prediction algorithms are not available or were not evaluated, and the functional significance of this variant is currently unknown. This variant has not been reported in the literature in individuals affected with DYNC1H1-related conditions. This variant is not present in population databases (gnomAD no frequency). This variant, c.3803_3804+1dup, results in the insertion of one amino acid(s) of the DYNC1H1 protein (p.Thr1268_Gly1269insAla), but otherwise preserves the integrity of the reading frame.